The following is an entry in ClinVar:

ClinVar aggregate classification (germline): Uncertain significance. Review status: criteria provided, multiple submitters, no conflicts (2 of 4 stars). 3 submissions from 3 submitters: Uncertain significance (2). 1 of the submissions does not count toward it. Last evaluated 2024-10-28.

Conditions:
Inborn genetic diseases. Identifiers: MedGen C0950123, MeSH D030342.
Neuronal ceroid lipofuscinosis 1 (CLN1). Also called: CEROID LIPOFUSCINOSIS, NEURONAL, 1, VARIABLE AGE AT ONSET; PPT1-Related Neuronal Ceroid-Lipofuscinosis. Identifiers: Orphanet 228329, MedGen C1850451, MONDO:0009744, OMIM 256730.

Allele frequency attached by ClinVar (database versions not stated): ExAC 0.00002; gnomAD exomes 0.00002.
gnomAD v4.1: 22 of 1,613,948 alleles (0.0014%); highest among the groups gnomAD compares: East Asian, 0.047%; no homozygotes.

Submissions (3):

Labcorp Genetics (formerly Invitae), Labcorp
Classification: Uncertain significance for Neuronal ceroid lipofuscinosis 1. Last evaluated: 2024-10-28. Review status: criteria provided, single submitter. Criteria: Invitae Variant Classification Sherloc (09022015). Collection method: clinical testing. Allele origin: germline.
Comment: This sequence change replaces glycine, which is neutral and non-polar, with alanine, which is neutral and non-polar, at codon 5 of the PPT1 protein (p.Gly5Ala). This variant is present in population databases (rs757580857, gnomAD 0.02%). This variant has not been reported in the literature in individuals affected with PPT1-related conditions. ClinVar contains an entry for this variant (Variation ID: 588787). Invitae Evidence Modeling of protein sequence and biophysical properties (such as structural, functional, and spatial information, amino acid conservation, physicochemical variation, residue mobility, and thermodynamic stability) indicates that this missense variant is not expected to disrupt PPT1 protein function with a negative predictive value of 95%. In summary, the available evidence is currently insufficient to determine the role of this variant in disease. Therefore, it has been classified as a Variant of Uncertain Significance.

Ambry Genetics
Classification: Uncertain significance for Inborn genetic diseases. Last evaluated: 2017-02-10. Review status: criteria provided, single submitter. Criteria: Ambry Variant Classification Scheme 2023. Collection method: clinical testing. Allele origin: germline.
Comment: The p.G5A variant (also known as c.14G>C), located in coding exon 1 of the PPT1 gene, results from a G to C substitution at nucleotide position 14. The glycine at codon 5 is replaced by alanine, an amino acid with similar properties. This amino acid position is not well conserved in available vertebrate species. In addition, this alteration is predicted to be tolerated by in silico analysis. Since supporting evidence is limited at this time, the clinical significance of this variant remains unclear.

Natera, Inc.
Classification: Uncertain significance for Neuronal ceroid lipofuscinosis 1. Last evaluated: 2021-04-20. Review status: no assertion criteria provided. Collection method: clinical testing. Allele origin: germline. Not counted in ClinVar's aggregate classification.

NM_000310.4(PPT1):c.14G>C (p.Gly5Ala)

Gene: PPT1 (palmitoyl-protein thioesterase 1; minus strand). Cytogenetic location: 1p34.2.
Variant type: single nucleotide variant.
Coding change: c.14G>C on transcript NM_000310.4 (MANE Select); coding-DNA position 14, G replaced by C.
Protein change: p.Gly5Ala; replaces glycine 5 with alanine.
Molecular consequence: missense variant.
Genome position (GRCh38, 1-based): chr1:40,097,225, C>G on the plus strand (G>C on the coding strand, the complement: PPT1 is on the minus strand). VCF-style: chr1-40097225-C-G. GRCh37 (hg19) VCF-style: chr1-40562897-C-G.
Other names: c.14G>C, p.Gly5Ala (NM_001142604.2, NM_001363695.2); short protein forms G5A.
Identifiers: ClinVar variation 588787 (VCV000588787.15), dbSNP rs757580857, ClinGen allele CA789863.